The following is an entry in ClinVar:

ClinVar aggregate classification (germline): Uncertain significance. Review status: criteria provided, multiple submitters, no conflicts (2 of 4 stars). 4 submissions from 4 submitters: Uncertain significance (4). Last evaluated 2024-11-07.

Conditions:
Developmental and epileptic encephalopathy, 62. Also called: Early infantile epileptic encephalopathy 62. Identifiers: MedGen C4693699, MONDO:0033371, OMIM 617938.
Epilepsy, familial focal, with variable foci 4 (FFEVF4). Identifiers: MedGen C4693694, MONDO:0054776, OMIM 617935.

Allele frequency attached by ClinVar (database versions not stated): gnomAD exomes below 0.00001.
gnomAD v4.1: 7 of 1,614,042 alleles (0.00043%); highest among the groups gnomAD compares: Middle Eastern, 0.016%; no homozygotes.

Submissions (4):

Blueprint Genetics
Classification: Uncertain significance. Last evaluated: 2024-11-07. Review status: criteria provided, single submitter. Criteria: ACMG Guidelines, 2015. Collection method: clinical testing. Allele origin: germline.

Human Genetics Bochum, Ruhr University Bochum
Classification: Uncertain significance for Epilepsy, familial focal, with variable foci 4. Last evaluated: 2023-11-24. Review status: criteria provided, single submitter. Criteria: ACMG Guidelines, 2015. Collection method: clinical testing. Allele origin: germline. Affected: yes.
Comment: ACMG criteria used to clasify this variant: PM2_SUP, PP2, PP3

CeGaT Center for Human Genetics Tuebingen
Classification: Uncertain significance. Last evaluated: 2022-06-01. Review status: criteria provided, single submitter. Criteria: CeGaT Center For Human Genetics Tuebingen Variant Classification Criteria Version 2. Collection method: clinical testing. Allele origin: germline. Affected: yes. Observed: 3 variant alleles.
Comment: SCN3A: PM2, PP2

Institute of Human Genetics, University Hospital of Duesseldorf
Classification: Uncertain significance for Developmental and epileptic encephalopathy, 62. Review status: criteria provided, single submitter. Criteria: ACMG Guidelines, 2015. Collection method: not provided. Allele origin: germline. Inheritance: Autosomal dominant inheritance. Affected: yes.

NM_006922.4(SCN3A):c.1970T>C (p.Val657Ala)

Gene: SCN3A (sodium voltage-gated channel alpha subunit 3; minus strand). Cytogenetic location: 2q24.3.
Variant type: single nucleotide variant.
Coding change: c.1970T>C on transcript NM_006922.4 (MANE Select); coding-DNA position 1970, T replaced by C.
Protein change: p.Val657Ala; replaces valine 657 with alanine.
Molecular consequence: missense variant. On other transcripts: intron variant (2).
Genome position (GRCh38, 1-based): chr2:165,140,700, A>G on the plus strand (T>C on the coding strand, the complement: SCN3A is on the minus strand). VCF-style: chr2-165140700-A-G. GRCh37 (hg19) VCF-style: chr2-165997210-A-G.
Other names: c.1872+98T>C (NM_001081676.2, NM_001081677.2); short protein forms V657A.
Identifiers: ClinVar variation 624154 (VCV000624154.44), dbSNP rs922985729, ClinGen allele CA59742021.